The following is an entry in ClinVar:

ClinVar aggregate classification (germline): Conflicting classifications of pathogenicity. Review status: criteria provided, conflicting classifications (1 of 4 stars). 9 submissions from 9 submitters: Uncertain significance (1); Benign (2); Likely benign (6). Last evaluated 2026-06-16.

Conditions:
Inborn genetic diseases. Identifiers: MedGen C0950123, MeSH D030342.

Allele frequency attached by ClinVar (database versions not stated): gnomAD exomes 0.00052; ExAC 0.00092; ESP Exome Variant Server 0.00153; 1000 Genomes Project 0.00220; 1000 Genomes Project 30x 0.00234; TOPMed 0.00237; gnomAD 0.00293.
gnomAD v4.1: 672 of 1,550,428 alleles (0.043%); highest among the groups gnomAD compares: African/African-American, 0.82%; 4 homozygotes.

Submissions (9):

Women's Health and Genetics/Laboratory Corporation of America, LabCorp
Classification: Likely benign. Last evaluated: 2026-06-16. Review status: criteria provided, single submitter. Criteria: LabCorp Variant Classification Summary - May 2015. Collection method: clinical testing. Allele origin: germline.
Comment: Variant summary: LOXHD1 c.2264G>T (p.Gly755Val) results in a non-conservative amino acid change in the encoded protein sequence. Algorithms developed to predict the effect of missense changes on protein structure and function all suggest that this variant is likely to be disruptive. The variant allele was found at a frequency of 0.00052 in 157202 control chromosomes, predominantly at a frequency of 0.0076 within the African or African-American subpopulation in the gnomAD database. The observed variant frequency within African or African-American control individuals in the gnomAD database exceeds the estimated maximal expected allele frequency for disease-causing variants in LOXHD1. To our knowledge, no occurrence of c.2264G>T in individuals affected with LOXHD1-related conditions and no experimental evidence demonstrating its impact on protein function have been reported. ClinVar contains an entry for this variant (Variation ID: 163920). Based on the evidence outlined above, the variant was classified as likely benign.

Labcorp Genetics (formerly Invitae), Labcorp
Classification: Likely benign. Last evaluated: 2026-02-02. Review status: criteria provided, single submitter. Criteria: Invitae Variant Classification Sherloc (09022015). Collection method: clinical testing. Allele origin: germline.

Blueprint Genetics
Classification: Likely benign. Last evaluated: 2024-10-09. Review status: criteria provided, single submitter. Criteria: ACMG Guidelines, 2015. Collection method: clinical testing. Allele origin: germline.

Ambry Genetics
Classification: Uncertain significance for Inborn genetic diseases. Last evaluated: 2021-08-02. Review status: criteria provided, single submitter. Criteria: Ambry Variant Classification Scheme 2023. Collection method: clinical testing. Allele origin: germline.

Athena Diagnostics
Classification: Benign. Last evaluated: 2019-03-04. Review status: criteria provided, single submitter. Criteria: Athena Diagnostics Criteria. Collection method: clinical testing. Allele origin: germline.

GeneDx
Classification: Likely benign. Last evaluated: 2018-06-11. Review status: criteria provided, single submitter. Criteria: GeneDx Variant Classification Process June 2021. Collection method: clinical testing. Allele origin: germline. Affected: yes.

Eurofins Ntd Llc (ga)
Classification: Benign. Last evaluated: 2017-05-01. Review status: criteria provided, single submitter. Criteria: EGL Classification Definitions 2015. Collection method: clinical testing. Allele origin: germline. Observed: 1 variant allele, 1 heterozygote.

Laboratory for Molecular Medicine, Mass General Brigham Personalized Medicine
Classification: Likely benign. Last evaluated: 2015-05-05. Review status: criteria provided, single submitter. Criteria: LMM Criteria. Collection method: clinical testing. Allele origin: germline. Observed: 2 variant alleles.
Comment: Gly755Val in exon 17 of LOXHD1: This variant is not expected to have clinical si gnificance because it has been identified in 0.8% (20/2652) of African chromosom es by the Exome Aggregation Consortium (ExAC; db SNP rs188517529).

Breakthrough Genomics
Classification: Likely benign. Review status: criteria provided, single submitter. Criteria: ACMG Guidelines, 2015. Collection method: not provided. Allele origin: germline. Inheritance: Autosomal recessive inheritance. Affected: yes.

NM_001384474.1(LOXHD1):c.2264G>T (p.Gly755Val)

Gene: LOXHD1 (lipoxygenase homology PLAT domains 1; minus strand). Cytogenetic location: 18q21.1.
Variant type: single nucleotide variant.
Coding change: c.2264G>T on transcript NM_001384474.1 (MANE Select); coding-DNA position 2264, G replaced by T.
Protein change: p.Gly755Val; replaces glycine 755 with valine.
Molecular consequence: missense variant.
Genome position (GRCh38, 1-based): chr18:46,566,430, C>A on the plus strand (G>T on the coding strand, the complement: LOXHD1 is on the minus strand). VCF-style: chr18-46566430-C-A. GRCh37 (hg19) VCF-style: chr18-44146393-C-A.
Other names: c.2264G>T, p.Gly755Val (NM_144612.7); short protein forms G755V.
Identifiers: ClinVar variation 163920 (VCV000163920.26), dbSNP rs188517529, ClinGen allele CA176642.